The following is an entry in ClinVar:

NM_005477.3(HCN4):c.2846G>C (p.Arg949Pro)

Gene: HCN4 (hyperpolarization activated cyclic nucleotide gated potassium channel 4; minus strand). Cytogenetic location: 15q24.1.
Variant type: single nucleotide variant.
Coding change: c.2846G>C on transcript NM_005477.3 (MANE Select); coding-DNA position 2846, G replaced by C.
Protein change: p.Arg949Pro; replaces arginine 949 with proline.
Molecular consequence: missense variant.
Genome position (GRCh38, 1-based): chr15:73,323,247, C>G on the plus strand (G>C on the coding strand, the complement: HCN4 is on the minus strand). VCF-style: chr15-73323247-C-G. GRCh37 (hg19) VCF-style: chr15-73615588-C-G.
Other names: short protein forms R949P.
Identifiers: ClinVar variation 1524585 (VCV001524585.11), dbSNP rs752139441, ClinGen allele CA272664120.

ClinVar aggregate classification (germline): Uncertain significance. Review status: criteria provided, multiple submitters, no conflicts (2 of 4 stars). 3 submissions from 3 submitters: Uncertain significance (3). Last evaluated 2025-08-25.

Conditions:
Brugada syndrome 8 (BRGDA8). Identifiers: Orphanet 130, MedGen C2751083, MONDO:0013148, OMIM 613123.
Sick sinus syndrome 2, autosomal dominant (SSS2). Also called: ATRIAL FIBRILLATION WITH BRADYARRHYTHMIA; SINUS BRADYCARDIA SYNDROME, FAMILIAL, AUTOSOMAL DOMINANT; SINUS NODE DISEASE, FAMILIAL, AUTOSOMAL DOMINANT; SICK SINUS SYNDROME 2; SICK SINUS SYNDROME 2 WITH OR WITHOUT CARDIAC NONCOMPACTION AND/OR ASCENDING AORTA DILATION. Identifiers: Orphanet 166282, MedGen C1834144, MONDO:0008102, OMIM 163800.
Epilepsy, idiopathic generalized, susceptibility to, 18. Identifiers: MedGen C5561983, MONDO:0030434, OMIM 619521.
Cardiovascular phenotype. Identifiers: MedGen CN230736.

gnomAD v4.1: 4 of 1,522,598 alleles (0.00026%); highest among the groups gnomAD compares: Non-Finnish European, 0.00026%; no homozygotes.

Submissions (3):

Labcorp Genetics (formerly Invitae), Labcorp
Classification: Uncertain significance for Brugada syndrome 8. Last evaluated: 2025-08-25. Review status: criteria provided, single submitter. Criteria: Invitae Variant Classification Sherloc (09022015). Collection method: clinical testing. Allele origin: germline.
Comment: This sequence change replaces arginine, which is basic and polar, with proline, which is neutral and non-polar, at codon 949 of the HCN4 protein (p.Arg949Pro). This variant is not present in population databases (gnomAD no frequency). This variant has not been reported in the literature in individuals affected with HCN4-related conditions. ClinVar contains an entry for this variant (Variation ID: 1524585). Invitae Evidence Modeling of protein sequence and biophysical properties (such as structural, functional, and spatial information, amino acid conservation, physicochemical variation, residue mobility, and thermodynamic stability) indicates that this missense variant is not expected to disrupt HCN4 protein function with a negative predictive value of 95%. In summary, the available evidence is currently insufficient to determine the role of this variant in disease. Therefore, it has been classified as a Variant of Uncertain Significance.

Fulgent Genetics
Classification: Uncertain significance for Sick sinus syndrome 2, autosomal dominant; Brugada syndrome 8; Epilepsy, idiopathic generalized, susceptibility to, 18. Last evaluated: 2021-11-09. Review status: criteria provided, single submitter. Criteria: ACMG Guidelines, 2015. Collection method: clinical testing. Allele origin: unknown.

Ambry Genetics
Classification: Uncertain significance for Cardiovascular phenotype. Last evaluated: 2021-05-07. Review status: criteria provided, single submitter. Criteria: Ambry Variant Classification Scheme 2023. Collection method: clinical testing. Allele origin: germline.
Comment: The p.R949P variant (also known as c.2846G>C), located in coding exon 8 of the HCN4 gene, results from a G to C substitution at nucleotide position 2846. The arginine at codon 949 is replaced by proline, an amino acid with dissimilar properties. This amino acid position is not well conserved in available vertebrate species, and proline is the reference amino acid in other vertebrate species. In addition, this alteration is predicted to be tolerated by in silico analysis. Since supporting evidence is limited at this time, the clinical significance of this alteration remains unclear.